The following is an entry in ClinVar:

ClinVar aggregate classification (germline): Uncertain significance (1 of 4 stars; one submission).

Conditions:
Dilated cardiomyopathy 1O (CMD1O). Also called: CARDIOMYOPATHY, DILATED, WITH VENTRICULAR TACHYCARDIA. Identifiers: Orphanet 154, MedGen C1837839, MONDO:0012062, OMIM 608569.

Submission:

Labcorp Genetics (formerly Invitae), Labcorp
Classification: Uncertain significance for Dilated cardiomyopathy 1O. Last evaluated: 2023-08-02. Review status: criteria provided, single submitter. Criteria: Invitae Variant Classification Sherloc (09022015). Collection method: clinical testing. Allele origin: germline.
Comment: In summary, the available evidence is currently insufficient to determine the role of this variant in disease. Therefore, it has been classified as a Variant of Uncertain Significance. Variants that disrupt the consensus splice site are a relatively common cause of aberrant splicing (PMID: 17576681, 9536098). Algorithms developed to predict the effect of sequence changes on RNA splicing suggest that this variant is not likely to affect RNA splicing. This sequence change falls in intron 30 of the ABCC9 gene. It does not directly change the encoded amino acid sequence of the ABCC9 protein. It affects a nucleotide within the consensus splice site. This variant is not present in population databases (gnomAD no frequency). This variant has not been reported in the literature in individuals affected with ABCC9-related conditions.

Literature cited by the submitters: PubMed 17576681; PubMed 9536098.

NM_020297.4(ABCC9):c.3771+4G>A

Genes: ABCC9 (ATP binding cassette subfamily C member 9; minus strand), KCNJ8-AS1 (KCNJ8 antisense RNA 1; plus strand). Cytogenetic location: 12p12.1.
Variant type: single nucleotide variant.
Coding change: c.3771+4G>A on transcript NM_020297.4 (MANE Select); 4 bases into the intron after coding-DNA position 3771, G replaced by A.
Molecular consequence: intron variant.
Genome position (GRCh38, 1-based): chr12:21,818,146, C>T on the plus strand (G>A on the coding strand, the complement: ABCC9 is on the minus strand). VCF-style: chr12-21818146-C-T. GRCh37 (hg19) VCF-style: chr12-21971080-C-T.
Other names: c.2904+4G>A (NM_001377274.1); c.3771+4G>A (NM_005691.4, NM_001377273.1).
Identifiers: ClinVar variation 3010942 (VCV003010942.3), dbSNP rs766038215, ClinGen allele CA2575099209.